The following is an entry in ClinVar:

ClinVar aggregate classification (germline): Conflicting classifications of pathogenicity. Review status: criteria provided, conflicting classifications (1 of 4 stars). 4 submissions from 4 submitters: Uncertain significance (1); Likely benign (3). Last evaluated 2026-01-21.

Allele frequency attached by ClinVar (database versions not stated): 1000 Genomes Project 30x 0.00016; 1000 Genomes Project 0.00020; ExAC 0.00027; gnomAD exomes 0.00033 and 0.00063; ESP Exome Variant Server 0.00038; gnomAD 0.00044 and 0.00045; TOPMed 0.00046.
gnomAD v4.1: 977 of 1,613,852 alleles (0.061%); highest among the groups gnomAD compares: Non-Finnish European, 0.078%; no homozygotes.

Submissions (4):

Labcorp Genetics (formerly Invitae), Labcorp
Classification: Likely benign. Last evaluated: 2026-01-21. Review status: criteria provided, single submitter. Criteria: Invitae Variant Classification Sherloc (09022015). Collection method: clinical testing. Allele origin: germline.

Mayo Clinic Laboratories, Mayo Clinic
Classification: Likely benign. Last evaluated: 2025-09-03. Review status: criteria provided, single submitter. Criteria: ACMG Guidelines, 2015. Collection method: clinical testing. Allele origin: germline. Observed: 2 variant alleles.
Comment: BP4, BP7

Blueprint Genetics
Classification: Likely benign. Last evaluated: 2024-11-11. Review status: criteria provided, single submitter. Criteria: ACMG Guidelines, 2015. Collection method: clinical testing. Allele origin: germline.

Eurofins Ntd Llc (ga)
Classification: Uncertain significance. Last evaluated: 2018-02-06. Review status: criteria provided, single submitter. Criteria: EGL Classification Definitions 2015. Collection method: clinical testing. Allele origin: germline. Observed: 2 variant alleles, 2 heterozygotes.

NM_001193315.2(VIPAS39):c.447+9C>T

Gene: VIPAS39 (VPS33B interacting protein, apical-basolateral polarity regulator, spe-39 homolog; minus strand). Cytogenetic location: 14q24.3.
Variant type: single nucleotide variant.
Coding change: c.447+9C>T on transcript NM_001193315.2 (MANE Select); 9 bases into the intron after coding-DNA position 447, C replaced by T.
Molecular consequence: intron variant.
Genome position (GRCh38, 1-based): chr14:77,449,284, G>A on the plus strand (C>T on the coding strand, the complement: VIPAS39 is on the minus strand). VCF-style: chr14-77449284-G-A. GRCh37 (hg19) VCF-style: chr14-77915627-G-A.
Other names: p.?; c.300+9C>T (NM_001193316.2); c.447+9C>T (NM_022067.4, NM_001193317.2, NM_001193314.2).
Identifiers: ClinVar variation 596025 (VCV000596025.16), dbSNP rs145373891, ClinGen allele CA7288106.